The following is an entry in ClinVar:

ClinVar aggregate classification (germline): Likely benign. Review status: criteria provided, single submitter (1 of 4 stars). 2 submissions from 2 submitters: Likely benign (1). 1 of the submissions does not count toward it. Last evaluated 2024-11-05.

Conditions:
IRS1-related disorder. Also called: IRS1-related condition.

Submissions (2):

Blueprint Genetics
Classification: Likely benign. Last evaluated: 2024-11-05. Review status: criteria provided, single submitter. Criteria: ACMG Guidelines, 2015. Collection method: clinical testing. Allele origin: germline.

PreventionGenetics, part of Exact Sciences
Classification: Benign for IRS1-related condition. Last evaluated: 2019-12-16. Review status: no assertion criteria provided. Collection method: clinical testing. Allele origin: germline. Not counted in ClinVar's aggregate classification.
Comment: This variant is classified as benign based on ACMG/AMP sequence variant interpretation guidelines (Richards et al. 2015 PMID: 25741868, with internal and published modifications).

NM_005544.3(IRS1):c.2039GCA[5] (p.Ser685_Ser686del)

Gene: IRS1 (insulin receptor substrate 1; minus strand). Cytogenetic location: 2q36.3.
Variant type: Microsatellite.
Coding change: c.2039GCA[5] on transcript NM_005544.3 (MANE Select); five copies in a row of the 3-base unit GCA starting at c.2039; the reference has seven copies in a row; two copies, 6 bases deleted.
Protein change: p.Ser685_Ser686del.
Genome position (GRCh38, 1-based): chr2:226,796,680-226,796,685, TGCTGC deleted on the plus strand (GCAGCA on the coding strand, the reverse complement: IRS1 is on the minus strand); deleting any 6 consecutive bases within chr2:226,796,680-226,796,702 gives the same sequence; the position shown is the placement nearest the transcript's 3' end. VCF-style (leftmost placement, unchanged base first): chr2-226796679-TTGCTGC-T. GRCh37 (hg19) VCF-style: chr2-227661395-TTGCTGC-T.
Identifiers: ClinVar variation 3052467 (VCV003052467.3), dbSNP rs138975702, ClinGen allele CA2143191.